The following is an entry in ClinVar:

ClinVar aggregate classification (germline): Conflicting classifications of pathogenicity. Review status: criteria provided, conflicting classifications (1 of 4 stars). 2 submissions from 2 submitters: Uncertain significance (1); Likely benign (1). Last evaluated 2026-06-25.

Conditions:
Familial thoracic aortic aneurysm and aortic dissection (TAAD). Also called: Thoracic aortic aneurysms and dissections. Identifiers: Orphanet 91387, MedGen C4707243, MONDO:0019625.
Ehlers-Danlos syndrome, classic type, 1 (EDSCL1). Also called: Ehlers-Danlos syndrome, type 1; EDS I; EHLERS-DANLOS SYNDROME, GRAVIS TYPE; EHLERS-DANLOS SYNDROME, SEVERE CLASSIC TYPE; Ehlers-Danlos Syndrome, Classic Type, COL5A1-Related. Identifiers: MedGen C0268335, MONDO:0019567, OMIM 130000.

Allele frequency attached by ClinVar (database versions not stated): gnomAD 0.00004 and 0.00003.
gnomAD v4.1: 5 of 1,613,934 alleles (0.00031%); highest among the groups gnomAD compares: African/African-American, 0.004%; no homozygotes.

Submissions (2):

Ambry Genetics
Classification: Uncertain significance for Familial thoracic aortic aneurysm and aortic dissection. Last evaluated: 2026-06-25. Review status: criteria provided, single submitter. Criteria: Ambry Variant Classification Scheme 2023. Collection method: clinical testing. Allele origin: germline.
Comment: The p.T1485P variant (also known as c.4453A>C), located in coding exon 54 of the COL5A2 gene, results from an A to C substitution at nucleotide position 4453. The threonine at codon 1485 is replaced by proline, an amino acid with highly similar properties. This amino acid position is conserved. In addition, this alteration is predicted to be tolerated by in silico analysis. Based on the available evidence, the clinical significance of this variant remains unclear.

Labcorp Genetics (formerly Invitae), Labcorp
Classification: Likely benign for Ehlers-Danlos syndrome, classic type, 1. Last evaluated: 2022-11-22. Review status: criteria provided, single submitter. Criteria: Invitae Variant Classification Sherloc (09022015). Collection method: clinical testing. Allele origin: germline.

NM_000393.5(COL5A2):c.4453A>C (p.Thr1485Pro)

Gene: COL5A2 (collagen type V alpha 2 chain; minus strand). Cytogenetic location: 2q32.2.
Variant type: single nucleotide variant.
Coding change: c.4453A>C on transcript NM_000393.5 (MANE Select); coding-DNA position 4453, A replaced by C.
Protein change: p.Thr1485Pro; replaces threonine 1485 with proline.
Molecular consequence: missense variant.
Genome position (GRCh38, 1-based): chr2:189,034,117, T>G on the plus strand (A>C on the coding strand, the complement: COL5A2 is on the minus strand). VCF-style: chr2-189034117-T-G. GRCh37 (hg19) VCF-style: chr2-189898843-T-G.
Other names: c.4453A>C (NM_000393.3); short protein forms T1485P.
Identifiers: ClinVar variation 1053096 (VCV001053096.49), dbSNP rs11553463, ClinGen allele CA349854343.